The following is an entry in ClinVar:

NM_000051.4(ATM):c.3830A>G (p.Glu1277Gly)

Gene: ATM (ATM serine/threonine kinase; plus strand). Cytogenetic location: 11q22.3.
Variant type: single nucleotide variant.
Coding change: c.3830A>G on transcript NM_000051.4 (MANE Select); coding-DNA position 3830, A replaced by G.
Protein change: p.Glu1277Gly; replaces glutamic acid 1277 with glycine.
Molecular consequence: missense variant.
Genome position (GRCh38, 1-based): chr11:108,284,310, A>G. VCF-style: chr11-108284310-A-G. GRCh37 (hg19) VCF-style: chr11-108155037-A-G.
Other names: c.3830A>G, p.Glu1277Gly (NM_001351834.2); short protein forms E1277G.
Identifiers: ClinVar variation 524293 (VCV000524293.11), dbSNP rs1555093463, ClinGen allele CA382524953.
Genomic context (GRCh38, chr11:108,284,310, plus strand): 5'-CACATCTGGTGATTAGAAGTCATTTTGATGAGGTGAAGTCCATTGCTAATCAGATTCAAG[A>G]GGACTGGAAAAGTCTTCTAACAGACTGCTTTCCAAAGATTCTTGTAAATATTCTTCCTTA-3'
Protein context (NP_000042.3, residues 1267-1287): EVKSIANQIQ[Glu1277Gly]DWKSLLTDCF

ClinVar aggregate classification (germline): Uncertain significance. Review status: criteria provided, multiple submitters, no conflicts (2 of 4 stars). 3 submissions from 3 submitters: Uncertain significance (3). Last evaluated 2025-10-27.

Conditions:
Ataxia-telangiectasia syndrome (AT). Also called: ATAXIA-TELANGIECTASIA, COMPLEMENTATION GROUP A; ATAXIA-TELANGIECTASIA, FRESNO VARIANT; Ataxia-telangiectasia; Ataxia-telangiectasia, complementation group D; AT, COMPLEMENTATION GROUP C; Ataxia-telangiectasia, complementation group E. Identifiers: Orphanet 100, MedGen C0004135, MONDO:0008840, OMIM 208900.
Hereditary cancer-predisposing syndrome. Also called: Neoplastic Syndromes, Hereditary; Tumor predisposition; Hereditary Cancer Syndrome; Hereditary neoplastic syndrome. Identifiers: Orphanet 140162, MedGen C0027672, MeSH D009386, MONDO:0015356.

Submissions (3):

Ambry Genetics
Classification: Uncertain significance for Hereditary cancer-predisposing syndrome. Last evaluated: 2025-10-27. Review status: criteria provided, single submitter. Criteria: Ambry Variant Classification Scheme 2023. Collection method: clinical testing. Allele origin: germline.
Comment: The p.E1277G variant (also known as c.3830A>G), located in coding exon 25 of the ATM gene, results from an A to G substitution at nucleotide position 3830. The glutamic acid at codon 1277 is replaced by glycine, an amino acid with similar properties. This amino acid position is not well conserved in available vertebrate species. In addition, this alteration is predicted to be tolerated by in silico analysis. Based on the available evidence, the clinical significance of this variant remains unclear.

Labcorp Genetics (formerly Invitae), Labcorp
Classification: Uncertain significance for Ataxia-telangiectasia syndrome. Last evaluated: 2024-11-10. Review status: criteria provided, single submitter. Criteria: Invitae Variant Classification Sherloc (09022015). Collection method: clinical testing. Allele origin: germline.
Comment: This sequence change replaces glutamic acid, which is acidic and polar, with glycine, which is neutral and non-polar, at codon 1277 of the ATM protein (p.Glu1277Gly). This variant is not present in population databases (gnomAD no frequency). This variant has not been reported in the literature in individuals affected with ATM-related conditions. ClinVar contains an entry for this variant (Variation ID: 524293). Invitae Evidence Modeling of protein sequence and biophysical properties (such as structural, functional, and spatial information, amino acid conservation, physicochemical variation, residue mobility, and thermodynamic stability) indicates that this missense variant is not expected to disrupt ATM protein function with a negative predictive value of 95%. In summary, the available evidence is currently insufficient to determine the role of this variant in disease. Therefore, it has been classified as a Variant of Uncertain Significance.

Quest Diagnostics Nichols Institute San Juan Capistrano
Classification: Uncertain significance. Last evaluated: 2024-05-13. Review status: criteria provided, single submitter. Criteria: Quest Diagnostics criteria. Collection method: clinical testing. Allele origin: unknown.

Literature cited by the submitters: PubMed 31214711 (cited by Ambry Genetics and Quest Diagnostics Nichols Institute San Juan Capistrano).